The following is an entry in ClinVar:

ClinVar aggregate classification (germline): Likely benign (1 of 4 stars; one submission).

Conditions:
Hypertrophic cardiomyopathy. Also called: HYPERTROPHIC MYOCARDIOPATHY. Identifiers: Orphanet 217569, MedGen C0007194, MeSH D002312, MONDO:0005045, HP:0001639.

Submission:

All of Us Research Program, National Institutes of Health
Classification: Likely benign for Hypertrophic cardiomyopathy. Last evaluated: 2023-11-20. Review status: criteria provided, single submitter. Criteria: ACMG Guidelines, 2015. Collection method: clinical testing. Allele origin: germline. Inheritance: Autosomal dominant inheritance. Observed: 1 variant allele, 1 heterozygote.
Comment: This study involves interpretation of variants in research participants for the purpose of population health screening. Participant phenotype was not available at the time of variant classification. Additional details can be found in publication PMID: 35346344, PMCID: PMC8962531

NM_001018005.2(TPM1):c.354G>A (p.Lys118=)

Gene: TPM1 (tropomyosin 1; plus strand). Cytogenetic location: 15q22.2.
Variant type: single nucleotide variant.
Coding change: c.354G>A on transcript NM_001018005.2 (MANE Select); coding-DNA position 354, G replaced by A.
Protein change: p.Lys118=; no amino-acid change (lysine 118 retained).
Molecular consequence: synonymous variant. On other transcripts: non-coding transcript variant (17).
Genome position (GRCh38, 1-based): chr15:63,057,098, G>A. VCF-style: chr15-63057098-G-A. GRCh37 (hg19) VCF-style: chr15-63349297-G-A.
Other names: c.354G>A, p.Lys118= (NM_000366.6, NM_001018004.2, NM_001018006.2 and 20 more transcripts); c.246G>A, p.Lys82= (NM_001018008.2, NM_001301289.2, NM_001330344.2 and 9 more transcripts); c.480G>A, p.Lys160= (NM_001365778.1, NM_001407322.1, NM_001407323.1 and 1 more transcripts).
Identifiers: ClinVar variation 3074531 (VCV003074531.1), dbSNP rs773916751, ClinGen allele CA490692950.